The following is an entry in ClinVar:

NM_024529.5(CDC73):c.59T>G (p.Val20Gly)

Gene: CDC73 (cell division cycle 73; plus strand). Cytogenetic location: 1q31.2.
Variant type: single nucleotide variant.
Coding change: c.59T>G on transcript NM_024529.5 (MANE Select); coding-DNA position 59, T replaced by G.
Protein change: p.Val20Gly; replaces valine 20 with glycine.
Molecular consequence: missense variant.
Genome position (GRCh38, 1-based): chr1:193,122,259, T>G. VCF-style: chr1-193122259-T-G. GRCh37 (hg19) VCF-style: chr1-193091389-T-G.
Other names: short protein forms V20G.
Identifiers: ClinVar variation 2450592 (VCV002450592.2), dbSNP rs2527281061, ClinGen allele CA343972852.

ClinVar aggregate classification (germline): Uncertain significance (1 of 4 stars; one submission).

Conditions:
Hereditary cancer-predisposing syndrome. Also called: Neoplastic Syndromes, Hereditary; Tumor predisposition; Hereditary neoplastic syndrome; Hereditary Cancer Syndrome. Identifiers: Orphanet 140162, MedGen C0027672, MeSH D009386, MONDO:0015356.

Submission:

Ambry Genetics
Classification: Uncertain significance for Hereditary cancer-predisposing syndrome. Last evaluated: 2023-02-28. Review status: criteria provided, single submitter. Criteria: Ambry Variant Classification Scheme 2023. Collection method: clinical testing. Allele origin: germline.
Comment: The p.V20G variant (also known as c.59T>G), located in coding exon 1 of the CDC73 gene, results from a T to G substitution at nucleotide position 59. The valine at codon 20 is replaced by glycine, an amino acid with dissimilar properties. This amino acid position is conserved. In addition, the in silico prediction for this alteration is inconclusive. Since supporting evidence is limited at this time, the clinical significance of this alteration remains unclear.